The following is an entry in ClinVar:

NM_001009944.3(PKD1):c.9226A>G (p.Ile3076Val)

Gene: PKD1 (polycystin 1, transient receptor potential channel interacting; minus strand). Cytogenetic location: 16p13.3.
Variant type: single nucleotide variant.
Coding change: c.9226A>G on transcript NM_001009944.3 (MANE Select); coding-DNA position 9226, A replaced by G.
Protein change: p.Ile3076Val; replaces isoleucine 3076 with valine.
Molecular consequence: missense variant.
Genome position (GRCh38, 1-based): chr16:2,102,232, T>C on the plus strand (A>G on the coding strand, the complement: PKD1 is on the minus strand). VCF-style: chr16-2102232-T-C. GRCh37 (hg19) VCF-style: chr16-2152233-T-C.
Other names: c.9226A>G, p.Ile3076Val (NM_000296.4); short protein forms I3076V.
Identifiers: ClinVar variation 4982172 (VCV004982172.1).

ClinVar aggregate classification (germline): Uncertain significance (1 of 4 stars; one submission).

Conditions:
PKD1-related disorder. Also called: PKD1-related condition.

Submission:

PreventionGenetics, part of Exact Sciences
Classification: Uncertain significance for PKD1-related condition. Last evaluated: 2026-05-27. Review status: criteria provided, single submitter. Criteria: ACMG Guidelines, 2015. Collection method: clinical testing. Allele origin: germline.
Comment: The PKD1 c.9226A>G variant is predicted to result in the amino acid substitution p.Ile3076Val. To our knowledge, this variant has not been reported in the literature. This variant is reported in 0.0092% of alleles in individuals of East Asian descent in gnomAD. At this time, the clinical significance of this variant is uncertain due to the absence of conclusive functional and genetic evidence.